The following is an entry in ClinVar:

NC_000018.9:g.(?_29098182)_(29178638_?)dup

Genes: DSG2 (desmoglein 2; plus strand), TTR (transthyretin; plus strand). Cytogenetic location: 18q12.1.
Variant type: Duplication.
Identifiers: ClinVar variation 2422973 (VCV002422973.4).

ClinVar aggregate classification (germline): Uncertain significance. Review status: criteria provided, single submitter (1 of 4 stars). 2 submissions from 1 submitter: Uncertain significance (2). Last evaluated 2022-08-22.

Conditions:
Amyloidosis, hereditary systemic 1 (AMYLD1). Also called: AMYLOID CARDIOMYOPATHY; Familial amyloid polyneuropathy; Transthyretin Amyloidosis; Isolated Cardiac Amyloidosis; Amyloid Cardiomyopathy, Transthyretin-related; Hereditary oculoleptomeningeal amyloid angiopathy. Identifiers: Orphanet 85447, Orphanet 85451, MedGen C2751492, MONDO:0971004, OMIM 105210.
Arrhythmogenic right ventricular dysplasia 10. Also called: Arrhythmogenic right ventricular dysplasia/cardiomyopathy, type 10; Arrhythmogenic Right Ventricular Dysplasia/Cardiomyopathy10; ARRHYTHMOGENIC RIGHT VENTRICULAR DYSPLASIA, FAMILIAL, 10. Identifiers: MedGen C1857777, MONDO:0012434, OMIM 610193.

Submissions (2):

Labcorp Genetics (formerly Invitae), Labcorp
Classification: Uncertain significance for Amyloidosis, hereditary systemic 1. Last evaluated: 2022-08-22. Review status: criteria provided, single submitter. Criteria: Invitae Variant Classification Sherloc (09022015). Collection method: clinical testing. Allele origin: germline.
Comment: A copy number gain of the genomic region encompassing the full coding sequence of the TTR gene has been identified. The boundaries of this event are unknown as they extend beyond the assayed region for this gene and therefore may encompass additional genes. As the precise location of this event is unknown, it may be in tandem or it may be located elsewhere in the genome. A similar copy number variant has been observed in individual(s) with hereditary transthyretin-mediated amyloidosis (hATTR amyloidosis) (Invitae). In summary, the available evidence is currently insufficient to determine the role of this variant in disease. Therefore, it has been classified as a Variant of Uncertain Significance.

Labcorp Genetics (formerly Invitae), Labcorp
Classification: Uncertain significance for Arrhythmogenic right ventricular dysplasia 10. Last evaluated: 2022-08-22. Review status: criteria provided, single submitter. Criteria: Invitae Variant Classification Sherloc (09022015). Collection method: clinical testing. Allele origin: germline.
Comment: In summary, the available evidence is currently insufficient to determine the role of this variant in disease. Therefore, it has been classified as a Variant of Uncertain Significance. Experimental studies and prediction algorithms are not available or were not evaluated, and the functional significance of this variant is currently unknown. This variant has not been reported in the literature in individuals affected with DSG2-related conditions. This variant results in a copy number gain of the genomic region encompassing exon(s) 2-15 of the DSG2 gene. This region includes the termination codon of the gene. This copy number gain extends beyond the assayed region for this gene and therefore may encompass additional genes. As the precise location of this event is unknown, it may be in tandem or it may be located elsewhere in the genome.